The following is an entry in ClinVar:

ClinVar aggregate classification (germline): Uncertain significance (1 of 4 stars; one submission).

Conditions:
Epidermolysis bullosa simplex 3, localized or generalized intermediate, with BP230 deficiency (EBS3). Also called: Epidermolysis bullosa simplex due to BP230 deficiency; Epidermolysis bullosa simplex, autosomal recessive 2. Identifiers: Orphanet 412181, MedGen C3809470, MONDO:0014180, OMIM 615425.
Hereditary sensory and autonomic neuropathy type 6. Also called: HSAN VI; Neuropathy, hereditary sensory and autonomic, type VI. Identifiers: Orphanet 314381, MedGen C3539003, MONDO:0013839, OMIM 614653.

Allele frequency attached by ClinVar (database versions not stated): gnomAD exomes 0.00004 and 0.00016; gnomAD 0.00005 and 0.00006; ExAC 0.00008; TOPMed 0.00009.
gnomAD v4.1: 61 of 1,613,086 alleles (0.0038%); highest among the groups gnomAD compares: Admixed American, 0.085%; no homozygotes.

Submission:

Labcorp Genetics (formerly Invitae), Labcorp
Classification: Uncertain significance for Epidermolysis bullosa simplex 3, localized or generalized intermediate, with BP230 deficiency; Hereditary sensory and autonomic neuropathy type 6. Last evaluated: 2022-07-12. Review status: criteria provided, single submitter. Criteria: Invitae Variant Classification Sherloc (09022015). Collection method: clinical testing. Allele origin: germline.
Comment: The DST gene has multiple clinically relevant transcripts. This variant occurs in alternate transcript NM_015548.4, and corresponds to NM_001723.5:c.*123111C>T in the primary transcript. This sequence change replaces arginine, which is basic and polar, with cysteine, which is neutral and slightly polar, at codon 4237 of the DST protein (p.Arg4237Cys). This variant is present in population databases (rs769340564, gnomAD 0.1%). This variant has not been reported in the literature in individuals affected with DST-related conditions. ClinVar contains an entry for this variant (Variation ID: 665289). Experimental studies and prediction algorithms are not available or were not evaluated, and the functional significance of this variant is currently unknown. In summary, the available evidence is currently insufficient to determine the role of this variant in disease. Therefore, it has been classified as a Variant of Uncertain Significance.

NM_001374736.1(DST):c.20578C>T (p.Arg6860Cys)

Gene: DST (dystonin; minus strand). Cytogenetic location: 6p12.1.
Variant type: single nucleotide variant.
Coding change: c.20578C>T on transcript NM_001374736.1 (MANE Select); coding-DNA position 20578, C replaced by T.
Protein change: p.Arg6860Cys; replaces arginine 6860 with cysteine.
Molecular consequence: missense variant.
Genome position (GRCh38, 1-based): chr6:56,492,406, G>A on the plus strand (C>T on the coding strand, the complement: DST is on the minus strand). VCF-style: chr6-56492406-G-A. GRCh37 (hg19) VCF-style: chr6-56357204-G-A.
Other names: c.14221C>T, p.Arg4741Cys (NM_001144769.5); c.13807C>T, p.Arg4603Cys (NM_001144770.2); c.20578C>T, p.Arg6860Cys (NM_001374722.1); c.19618C>T, p.Arg6540Cys (NM_001374729.1); c.13360C>T, p.Arg4454Cys (NM_001374730.1); c.20605C>T, p.Arg6869Cys (NM_001374734.1); c.13687C>T, p.Arg4563Cys (NM_001386100.1, NM_183380.4); c.12709C>T, p.Arg4237Cys (NM_015548.5); short protein forms R4237C, R4741C, R4563C, R4603C, R4454C, R6540C, R6860C, R6869C.
Identifiers: ClinVar variation 665289 (VCV000665289.6), dbSNP rs769340564, ClinGen allele CA3866709.